The following is an entry in ClinVar:

ClinVar aggregate classification (germline): Uncertain significance (1 of 4 stars; one submission).

Allele frequency attached by ClinVar (database versions not stated): gnomAD exomes 0.00009 and 0.00010; ExAC 0.00010; TOPMed 0.00012.
gnomAD v4.1: 147 of 1,614,000 alleles (0.0091%); highest among the groups gnomAD compares: Non-Finnish European, 0.011%; no homozygotes.

Submission:

Labcorp Genetics (formerly Invitae), Labcorp
Classification: Uncertain significance. Last evaluated: 2025-03-17. Review status: criteria provided, single submitter. Criteria: Invitae Variant Classification Sherloc (09022015). Collection method: clinical testing. Allele origin: germline.
Comment: This sequence change replaces threonine, which is neutral and polar, with methionine, which is neutral and non-polar, at codon 583 of the AHR protein (p.Thr583Met). This variant is present in population databases (rs202073016, gnomAD 0.02%). This variant has not been reported in the literature in individuals affected with AHR-related conditions. ClinVar contains an entry for this variant (Variation ID: 1006431). An algorithm developed to predict the effect of missense changes on protein structure and function (PolyPhen-2) suggests that this variant is likely to be disruptive. In summary, the available evidence is currently insufficient to determine the role of this variant in disease. Therefore, it has been classified as a Variant of Uncertain Significance.

NM_001621.5(AHR):c.1748C>T (p.Thr583Met)

Gene: AHR (aryl hydrocarbon receptor; plus strand). Cytogenetic location: 7p21.1.
Variant type: single nucleotide variant.
Coding change: c.1748C>T on transcript NM_001621.5 (MANE Select); coding-DNA position 1748, C replaced by T.
Protein change: p.Thr583Met; replaces threonine 583 with methionine.
Molecular consequence: missense variant.
Genome position (GRCh38, 1-based): chr7:17,339,573, C>T. VCF-style: chr7-17339573-C-T. GRCh37 (hg19) VCF-style: chr7-17379197-C-T.
Other names: short protein forms T583M.
Identifiers: ClinVar variation 1006431 (VCV001006431.8), dbSNP rs202073016, ClinGen allele CA4172175.